The following is an entry in ClinVar:

ClinVar aggregate classification (germline): Uncertain significance (1 of 4 stars; one submission).

Submission:

Labcorp Genetics (formerly Invitae), Labcorp
Classification: Uncertain significance. Last evaluated: 2024-06-25. Review status: criteria provided, single submitter. Criteria: Invitae Variant Classification Sherloc (09022015). Collection method: clinical testing. Allele origin: germline.
Comment: This sequence change replaces aspartic acid, which is acidic and polar, with asparagine, which is neutral and polar, at codon 1417 of the C3 protein (p.Asp1417Asn). This variant is not present in population databases (gnomAD no frequency). This variant has not been reported in the literature in individuals affected with C3-related conditions. Advanced modeling of protein sequence and biophysical properties (such as structural, functional, and spatial information, amino acid conservation, physicochemical variation, residue mobility, and thermodynamic stability) has been performed at Invitae for this missense variant, however the output from this modeling did not meet the statistical confidence thresholds required to predict the impact of this variant on C3 protein function. In summary, the available evidence is currently insufficient to determine the role of this variant in disease. Therefore, it has been classified as a Variant of Uncertain Significance.

NM_000064.4(C3):c.4249G>A (p.Asp1417Asn)

Gene: C3 (complement C3; minus strand). Cytogenetic location: 19p13.3.
Variant type: single nucleotide variant.
Coding change: c.4249G>A on transcript NM_000064.4 (MANE Select); coding-DNA position 4249, G replaced by A.
Protein change: p.Asp1417Asn; replaces aspartic acid 1417 with asparagine.
Molecular consequence: missense variant.
Genome position (GRCh38, 1-based): chr19:6,682,153, C>T on the plus strand (G>A on the coding strand, the complement: C3 is on the minus strand). VCF-style: chr19-6682153-C-T. GRCh37 (hg19) VCF-style: chr19-6682164-C-T.
Other names: short protein forms D1417N.
Identifiers: ClinVar variation 3657773 (VCV003657773.2).